The following is an entry in ClinVar:

NM_000142.5(FGFR3):c.2325G>C (p.Gln775His)

Gene: FGFR3 (fibroblast growth factor receptor 3; plus strand). Cytogenetic location: 4p16.3.
Variant type: single nucleotide variant.
Coding change: c.2325G>C on transcript NM_000142.5 (MANE Select); coding-DNA position 2325, G replaced by C.
Protein change: p.Gln775His; replaces glutamine 775 with histidine.
Molecular consequence: missense variant. On other transcripts: non-coding transcript variant (1).
Genome position (GRCh38, 1-based): chr4:1,807,166, G>C. VCF-style: chr4-1807166-G-C. GRCh37 (hg19) VCF-style: chr4-1808893-G-C.
Other names: c.2331G>C, p.Gln777His (NM_001163213.2); c.2328G>C, p.Gln776His (NM_001354809.2); c.2257G>C, p.Gly753Arg (NM_001354810.2); c.1989G>C, p.Gln663His (NM_022965.4); short protein forms G753R, Q663H, Q775H, Q776H, Q777H.
Identifiers: ClinVar variation 4802679 (VCV004802679.1).

ClinVar aggregate classification (germline): Uncertain significance (1 of 4 stars; one submission).

gnomAD v4.1: 1 of 1,602,218 alleles (0.000062%); highest among the groups gnomAD compares: Non-Finnish European, 0.000085%; no homozygotes.

Submission:

Labcorp Genetics (formerly Invitae), Labcorp
Classification: Uncertain significance. Last evaluated: 2025-12-24. Review status: criteria provided, single submitter. Criteria: Invitae Variant Classification Sherloc (09022015). Collection method: clinical testing. Allele origin: germline.
Comment: This sequence change replaces glutamine, which is neutral and polar, with histidine, which is basic and polar, at codon 775 of the FGFR3 protein (p.Gln775His). This variant is not present in population databases (gnomAD no frequency). This variant has not been reported in the literature in individuals affected with FGFR3-related conditions. Invitae Evidence Modeling of protein sequence and biophysical properties (such as structural, functional, and spatial information, amino acid conservation, physicochemical variation, residue mobility, and thermodynamic stability) indicates that this missense variant is not expected to disrupt FGFR3 protein function with a negative predictive value of 80%. In summary, the available evidence is currently insufficient to determine the role of this variant in disease. Therefore, it has been classified as a Variant of Uncertain Significance.